The following is an entry in ClinVar:

NM_001005242.3(PKP2):c.2210_2211del (p.Thr737fs)

Gene: PKP2 (plakophilin 2; minus strand). Cytogenetic location: 12p11.21.
Variant type: Microsatellite.
Coding change: c.2210_2211del on transcript NM_001005242.3 (MANE Select); coding-DNA positions 2210 to 2211, 2 bases deleted (CA; older notation c.2210_2211delCA).
Protein change: p.Thr737fs; shifts the reading frame from threonine 737.
Molecular consequence: frameshift variant. On other transcripts: intron variant (2).
Genome position (GRCh38, 1-based): chr12:32,796,255-32,796,256, TG deleted on the plus strand (CA on the coding strand, the reverse complement: PKP2 is on the minus strand); deleting any 2 consecutive bases within chr12:32,796,255-32,796,259 gives the same sequence; the c. name uses the placement nearest the transcript's 3' end. VCF-style (leftmost placement, unchanged base first): chr12-32796254-CTG-C. GRCh37 (hg19) VCF-style: chr12-32949188-CTG-C.
Other names: c.2045_2046del, p.Thr682fs (NM_001407156.1); c.1883_1884del, p.Thr628fs (NM_001407158.1, NM_001407159.1); c.2339_2340AC[1], p.Thr781Serfs (NM_004572.3); c.2342_2343del, p.Thr781fs (NM_004572.4); c.2168-3525_2168-3524del (NM_001407155.1); c.1841-3525_1841-3524del (NM_001407160.1); c.2342_2343delCA (NM_004572.3); short protein forms T628fs, T682fs, T737fs, T781fs.
Identifiers: ClinVar variation 4861994 (VCV004861994.4).
Genomic context (GRCh38, chr12:32,796,254, plus strand): 5'-TGTTGTTCAATGTGTAACAGGCAGAGGCTGTAGTTTCAATGAGAAGGTCAGTACTCGGGA[CTG>C]TGTCAGGAATGATGGAAACCAAATCAGGGAGAGTTTCTTTGGCTACAAAATGAAAAAAAA-3'

ClinVar aggregate classification (germline): Pathogenic. Review status: criteria provided, multiple submitters, no conflicts (2 of 4 stars). 3 submissions from 3 submitters: Pathogenic (3). Last evaluated 2026-05-01.

Conditions:
Cardiovascular phenotype. Identifiers: MedGen CN230736.
PKP2-related disorder. Also called: PKP2-related condition.

Submissions (3):

CeGaT Center for Human Genetics Tuebingen
Classification: Pathogenic. Last evaluated: 2026-05-01. Review status: criteria provided, single submitter. Criteria: CeGaT Center For Human Genetics Tuebingen Variant Classification Criteria Version 2. Collection method: clinical testing. Allele origin: germline. Affected: yes. Observed: 1 variant allele.
Comment: PKP2: PVS1, PM2

Ambry Genetics
Classification: Pathogenic for Cardiovascular phenotype. Last evaluated: 2026-03-26. Review status: criteria provided, single submitter. Criteria: Ambry Variant Classification Scheme 2023. Collection method: clinical testing. Allele origin: germline.
Comment: The c.2342_2343delCA pathogenic mutation, located in coding exon 12 of the PKP2 gene, results from a deletion of two nucleotides at nucleotide positions 2342 to 2343, causing a translational frameshift with a predicted alternate stop codon (p.T781Sfs*5). This variant is considered to be rare based on population cohorts in the Genome Aggregation Database (gnomAD). This alteration is expected to result in loss of function by premature protein truncation or nonsense-mediated mRNA decay. As such, this alteration is interpreted as a disease-causing mutation.

Blueprint Genetics
Classification: Pathogenic for PKP2-related disorders. Last evaluated: 2022-12-14. Review status: criteria provided, single submitter. Criteria: ACMG Guidelines, 2015. Collection method: clinical testing. Allele origin: germline. Affected: yes. Observed: 2 variant alleles.